The following is an entry in ClinVar:

ClinVar aggregate classification (germline): Uncertain significance. Review status: criteria provided, multiple submitters, no conflicts (2 of 4 stars). 3 submissions from 3 submitters: Uncertain significance (3). Last evaluated 2026-01-29.

Conditions:
Cardiovascular phenotype. Identifiers: MedGen CN230736.
Brittle cornea syndrome 2 (BCS2). Identifiers: Orphanet 90354, MedGen C3280011, MONDO:0013605, OMIM 614170.

Allele frequency attached by ClinVar (database versions not stated): gnomAD 0.00008; 1000 Genomes Project 0.00020; ExAC 0.00008; ESP Exome Variant Server 0.00015; 1000 Genomes Project 30x 0.00016; TOPMed 0.00007.

Submissions (3):

GeneDx
Classification: Uncertain significance. Last evaluated: 2026-01-29. Review status: criteria provided, single submitter. Criteria: GeneDx Variant Classification Process June 2021. Collection method: clinical testing. Allele origin: germline.
Comment: Has not been previously published as pathogenic or benign to our knowledge; In silico analysis suggests that this missense variant does not alter protein structure/function

Ambry Genetics
Classification: Uncertain significance for Cardiovascular phenotype. Last evaluated: 2025-06-01. Review status: criteria provided, single submitter. Criteria: Ambry Variant Classification Scheme 2023. Collection method: clinical testing. Allele origin: germline.
Comment: The p.R257W variant (also known as c.769C>T), located in coding exon 7 of the PRDM5 gene, results from a C to T substitution at nucleotide position 769. The arginine at codon 257 is replaced by tryptophan, an amino acid with dissimilar properties. This amino acid position is not well conserved in available vertebrate species. In addition, this alteration is predicted to be tolerated by in silico analysis. Since supporting evidence is limited at this time, the clinical significance of this alteration remains unclear.

Revvity Omics, Revvity
Classification: Uncertain significance for Brittle cornea syndrome 2. Last evaluated: 2020-10-30. Review status: criteria provided, single submitter. Criteria: ACMG Guidelines, 2015. Collection method: clinical testing. Allele origin: germline.

NM_018699.4(PRDM5):c.769C>T (p.Arg257Trp)

Gene: PRDM5 (PR/SET domain 5; minus strand). Cytogenetic location: 4q27.
Variant type: single nucleotide variant.
Coding change: c.769C>T on transcript NM_018699.4 (MANE Select); coding-DNA position 769, C replaced by T.
Protein change: p.Arg257Trp; replaces arginine 257 with tryptophan.
Molecular consequence: missense variant.
Genome position (GRCh38, 1-based): chr4:120,816,549, G>A on the plus strand (C>T on the coding strand, the complement: PRDM5 is on the minus strand). VCF-style: chr4-120816549-G-A. GRCh37 (hg19) VCF-style: chr4-121737704-G-A.
Other names: c.676C>T, p.Arg226Trp (NM_001300823.2, NM_001300824.2, NM_001379106.1); c.769C>T, p.Arg257Trp (NM_001379104.1); short protein forms R257W, R226W.
Identifiers: ClinVar variation 1760181 (VCV001760181.10), dbSNP rs190835070, ClinGen allele CA3061287.